The following is an entry in ClinVar:

NM_013275.6(ANKRD11):c.1246G>A (p.Ala416Thr)

Gene: ANKRD11 (ankyrin repeat domain 11; minus strand). Cytogenetic location: 16q24.3.
Variant type: single nucleotide variant.
Coding change: c.1246G>A on transcript NM_013275.6 (MANE Select); coding-DNA position 1246, G replaced by A.
Protein change: p.Ala416Thr; replaces alanine 416 with threonine.
Molecular consequence: missense variant.
Genome position (GRCh38, 1-based): chr16:89,285,296, C>T on the plus strand (G>A on the coding strand, the complement: ANKRD11 is on the minus strand). VCF-style: chr16-89285296-C-T. GRCh37 (hg19) VCF-style: chr16-89351704-C-T.
Other names: c.1246G>A, p.Ala416Thr (NM_001256183.2, NM_001256182.2); c.1246G>A (NM_013275.4); short protein forms A416T.
Identifiers: ClinVar variation 2047148 (VCV002047148.7), dbSNP rs200886155, ClinGen allele CA8242829.
Genomic context (GRCh38, chr16:89,285,296, plus strand): 5'-CAGGCAATATCGTATGTGCCGAGAGTCTCAGCTTCTCTCCTGTCCCCACGGTGACACTCG[C>T]GTCCTCCTCGTCCGACGTGTCTGACAGGATACGATGGGACGCTTTCTTTGGTGCAATCGT-3'
Protein context (NP_037407.4, residues 406-426): ILSDTSDEED[Ala416Thr]SVTVGTGEKL

ClinVar aggregate classification (germline): Likely benign. Review status: criteria provided, multiple submitters, no conflicts (2 of 4 stars). 4 submissions from 4 submitters: Likely benign (4). Last evaluated 2026-06-18.

Conditions:
KBG syndrome (KBGS). Also called: ANKRD11-Related KBG Syndrome. Identifiers: Orphanet 2332, MedGen C0220687, MONDO:0007846, OMIM 148050.
Inborn genetic diseases. Identifiers: MedGen C0950123, MeSH D030342.

Allele frequency attached by ClinVar (database versions not stated): ExAC 0.00007; ESP Exome Variant Server 0.00008; gnomAD 0.00009; TOPMed 0.00009; gnomAD exomes 0.00011.
gnomAD v4.1: 173 of 1,613,814 alleles (0.011%); highest among the groups gnomAD compares: Non-Finnish European, 0.011%; 1 homozygote.

Submissions (4):

Women's Health and Genetics/Laboratory Corporation of America, LabCorp
Classification: Likely benign. Last evaluated: 2026-06-18. Review status: criteria provided, single submitter. Criteria: LabCorp Variant Classification Summary - May 2015. Collection method: clinical testing. Allele origin: germline.
Comment: Variant summary: ANKRD11 c.1246G>A (p.Ala416Thr) results in a non-conservative amino acid change in the encoded protein sequence. Algorithms developed to predict the effect of missense changes on protein structure and function are either unavailable or do not agree on the potential impact of this missense change. The variant allele was found at a frequency of 0.0001 in 249366 control chromosomes, predominantly at a frequency of 0.00014 within the Non-Finnish European subpopulation in the gnomAD database. The observed variant frequency within Non-Finnish European control individuals in the gnomAD database exceeds the estimated maximal expected allele frequency for disease-causing variants in ANKRD11. To our knowledge, no occurrence of c.1246G>A in individuals affected with ANKRD11-related conditions and no experimental evidence demonstrating its impact on protein function have been reported. ClinVar contains an entry for this variant (Variation ID: 2047148). Based on the evidence outlined above, the variant was classified as likely benign.

Ambry Genetics
Classification: Likely benign for Inborn genetic diseases. Last evaluated: 2025-08-04. Review status: criteria provided, single submitter. Criteria: Ambry Variant Classification Scheme 2023. Collection method: clinical testing. Allele origin: germline.

Labcorp Genetics (formerly Invitae), Labcorp
Classification: Likely benign for KBG syndrome. Last evaluated: 2025-04-28. Review status: criteria provided, single submitter. Criteria: Invitae Variant Classification Sherloc (09022015). Collection method: clinical testing. Allele origin: germline.

Blueprint Genetics
Classification: Likely benign. Last evaluated: 2024-10-04. Review status: criteria provided, single submitter. Criteria: ACMG Guidelines, 2015. Collection method: clinical testing. Allele origin: germline.